The following is an entry in ClinVar:

NM_000214.3(JAG1):c.67G>T (p.Ala23Ser)

Gene: JAG1 (jagged canonical Notch ligand 1; minus strand). Cytogenetic location: 20p12.2.
Variant type: single nucleotide variant.
Coding change: c.67G>T on transcript NM_000214.3 (MANE Select); coding-DNA position 67, G replaced by T.
Protein change: p.Ala23Ser; replaces alanine 23 with serine.
Molecular consequence: missense variant.
Genome position (GRCh38, 1-based): chr20:10,673,464, C>A on the plus strand (G>T on the coding strand, the complement: JAG1 is on the minus strand). VCF-style: chr20-10673464-C-A. GRCh37 (hg19) VCF-style: chr20-10654112-C-A.
Other names: short protein forms A23S.
Identifiers: ClinVar variation 857772 (VCV000857772.9), dbSNP rs2067513128, ClinGen allele CA408244090.

ClinVar aggregate classification (germline): Uncertain significance (1 of 4 stars; one submission).

Conditions:
Alagille syndrome due to a JAG1 point mutation. Also called: HEPATIC DUCTULAR HYPOPLASIA, SYNDROMATIC; Alagille Syndrome 1; JAG1-Related Alagille Syndrome. Identifiers: Orphanet 261619, Orphanet 52, MedGen C1956125, MONDO:0016862, OMIM 118450.

Submission:

Labcorp Genetics (formerly Invitae), Labcorp
Classification: Uncertain significance for Alagille syndrome due to a JAG1 point mutation. Last evaluated: 2024-04-09. Review status: criteria provided, single submitter. Criteria: Invitae Variant Classification Sherloc (09022015). Collection method: clinical testing. Allele origin: germline.
Comment: This sequence change replaces alanine, which is neutral and non-polar, with serine, which is neutral and polar, at codon 23 of the JAG1 protein (p.Ala23Ser). This variant is not present in population databases (gnomAD no frequency). This variant has not been reported in the literature in individuals affected with JAG1-related conditions. ClinVar contains an entry for this variant (Variation ID: 857772). Advanced modeling of protein sequence and biophysical properties (such as structural, functional, and spatial information, amino acid conservation, physicochemical variation, residue mobility, and thermodynamic stability) performed at Invitae indicates that this missense variant is not expected to disrupt JAG1 protein function with a negative predictive value of 95%. In summary, the available evidence is currently insufficient to determine the role of this variant in disease. Therefore, it has been classified as a Variant of Uncertain Significance.